The following is an entry in ClinVar:

ClinVar aggregate classification (germline): Pathogenic (1 of 4 stars; one submission).

Submission:

Labcorp Genetics (formerly Invitae), Labcorp
Classification: Pathogenic. Last evaluated: 2024-08-14. Review status: criteria provided, single submitter. Criteria: Invitae Variant Classification Sherloc (09022015). Collection method: clinical testing. Allele origin: germline.
Comment: This sequence change creates a premature translational stop signal (p.Gly454Argfs*21) in the TCF3 gene. It is expected to result in an absent or disrupted protein product. Loss-of-function variants in TCF3 are known to be pathogenic (PMID: 24216514, 30063982, 37277074). This variant is not present in population databases (gnomAD no frequency). This variant has not been reported in the literature in individuals affected with TCF3-related conditions. For these reasons, this variant has been classified as Pathogenic.

Literature cited by the submitters: PubMed 24216514; PubMed 30063982; PubMed 37277074.

NM_003200.5(TCF3):c.1359dup (p.Gly454fs)

Gene: TCF3 (transcription factor 3; minus strand). Cytogenetic location: 19p13.3.
Variant type: Duplication.
Coding change: c.1359dup on transcript NM_003200.5 (MANE Select); coding-DNA position 1359, one base duplicated (A; older notation c.1359dupA).
Protein change: p.Gly454fs; shifts the reading frame from glycine 454.
Molecular consequence: frameshift variant.
Genome position (GRCh38, 1-based): chr19:1,619,202, T duplicated on the plus strand (A on the coding strand, the reverse complement: TCF3 is on the minus strand). VCF-style (leftmost placement, unchanged base first): chr19-1619201-C-CT. GRCh37 (hg19) VCF-style: chr19-1619200-C-CT.
Other names: c.1359dup, p.Gly454fs (NM_001136139.4, NM_001351779.2); c.1356dup, p.Gly453fs (NM_001351778.2); short protein forms G453fs, G454fs.
Identifiers: ClinVar variation 2859583 (VCV002859583.3), dbSNP rs2513477443, ClinGen allele CA2739276334.